The following is an entry in ClinVar:

NM_001035.3(RYR2):c.9948A>C (p.Lys3316Asn)

Gene: RYR2 (ryanodine receptor 2; plus strand). Cytogenetic location: 1q43.
Variant type: single nucleotide variant.
Coding change: c.9948A>C on transcript NM_001035.3 (MANE Select); coding-DNA position 9948, A replaced by C.
Protein change: p.Lys3316Asn; replaces lysine 3316 with asparagine.
Molecular consequence: missense variant.
Genome position (GRCh38, 1-based): chr1:237,708,904, A>C. VCF-style: chr1-237708904-A-C. GRCh37 (hg19) VCF-style: chr1-237872204-A-C.
Other names: short protein forms K3316N.
Identifiers: ClinVar variation 2855417 (VCV002855417.4), dbSNP rs2547411454, ClinGen allele CA345410376.

ClinVar aggregate classification (germline): Uncertain significance. Review status: criteria provided, multiple submitters, no conflicts (2 of 4 stars). 2 submissions from 2 submitters: Uncertain significance (2). Last evaluated 2024-01-11.

Conditions:
Catecholaminergic polymorphic ventricular tachycardia 1. Also called: RYR2-Related Catecholaminergic Polymorphic Ventricular Tachycardia; VENTRICULAR TACHYCARDIA, STRESS-INDUCED POLYMORPHIC 1; VENTRICULAR TACHYCARDIA, CATECHOLAMINERGIC POLYMORPHIC, 1, WITH OR WITHOUT ATRIAL DYSFUNCTION AND/OR DILATED CARDIOMYOPATHY. Identifiers: Orphanet 3286, MedGen C1631597, MONDO:0011484, OMIM 604772.
Catecholaminergic polymorphic ventricular tachycardia (CVPT). Also called: Catecholamine-induced polymorphic ventricular tachycardia. Identifiers: Orphanet 3286, MedGen C5574922, MONDO:0017990.

Submissions (2):

All of Us Research Program, National Institutes of Health
Classification: Uncertain significance for Catecholaminergic polymorphic ventricular tachycardia. Last evaluated: 2024-01-11. Review status: criteria provided, single submitter. Criteria: ACMG Guidelines, 2015. Collection method: clinical testing. Allele origin: germline. Inheritance: Autosomal dominant inheritance. Observed: 1 variant allele, 1 heterozygote.
Comment: This study involves interpretation of variants in research participants for the purpose of population health screening. Participant phenotype was not available at the time of variant classification. Additional details can be found in publication PMID: 35346344, PMCID: PMC8962531

Labcorp Genetics (formerly Invitae), Labcorp
Classification: Uncertain significance for Catecholaminergic polymorphic ventricular tachycardia 1. Last evaluated: 2023-04-26. Review status: criteria provided, single submitter. Criteria: Invitae Variant Classification Sherloc (09022015). Collection method: clinical testing. Allele origin: germline.
Comment: In summary, the available evidence is currently insufficient to determine the role of this variant in disease. Therefore, it has been classified as a Variant of Uncertain Significance. Advanced modeling of protein sequence and biophysical properties (such as structural, functional, and spatial information, amino acid conservation, physicochemical variation, residue mobility, and thermodynamic stability) performed at Invitae indicates that this missense variant is not expected to disrupt RYR2 protein function. This variant has not been reported in the literature in individuals affected with RYR2-related conditions. This variant is not present in population databases (gnomAD no frequency). This sequence change replaces lysine, which is basic and polar, with asparagine, which is neutral and polar, at codon 3316 of the RYR2 protein (p.Lys3316Asn).